The following is an entry in ClinVar:

NM_001035.3(RYR2):c.10662A>G (p.Ile3554Met)

Gene: RYR2 (ryanodine receptor 2; plus strand). Cytogenetic location: 1q43.
Variant type: single nucleotide variant.
Coding change: c.10662A>G on transcript NM_001035.3 (MANE Select); coding-DNA position 10662, A replaced by G.
Protein change: p.Ile3554Met; replaces isoleucine 3554 with methionine.
Molecular consequence: missense variant.
Genome position (GRCh38, 1-based): chr1:237,723,235, A>G. VCF-style: chr1-237723235-A-G. GRCh37 (hg19) VCF-style: chr1-237886535-A-G.
Other names: c.10662A>G, p.Ile3554Met (LRG_402t1); short protein forms I3554M.
Identifiers: ClinVar variation 628326 (VCV000628326.6), dbSNP rs1558290857, ClinGen allele CA345416200.

ClinVar aggregate classification (germline): Uncertain significance. Review status: criteria provided, multiple submitters, no conflicts (2 of 4 stars). 2 submissions from 2 submitters: Uncertain significance (2). Last evaluated 2026-01-24.

Conditions:
Cardiovascular phenotype. Identifiers: MedGen CN230736.
Cardiomyopathy (CMYO). Also called: Cardiomyopathies. Identifiers: Orphanet 167848, MedGen C0878544, MONDO:0004994, HP:0001638. Inheritance: Various modes of inheritance.

Submissions (2):

Ambry Genetics
Classification: Uncertain significance for Cardiovascular phenotype. Last evaluated: 2026-01-24. Review status: criteria provided, single submitter. Criteria: Ambry Variant Classification Scheme 2023. Collection method: clinical testing. Allele origin: germline.
Comment: The p.I3554M variant (also known as c.10662A>G), located in coding exon 74 of the RYR2 gene, results from an A to G substitution at nucleotide position 10662. The isoleucine at codon 3554 is replaced by methionine, an amino acid with highly similar properties. This amino acid position is conserved. In addition, the in silico prediction for this alteration is inconclusive. Based on the available evidence, the clinical significance of this variant remains unclear.

Color Diagnostics, LLC DBA Color Health
Classification: Uncertain significance for Cardiomyopathy. Last evaluated: 2024-03-07. Review status: criteria provided, single submitter. Criteria: ACMG Guidelines, 2015. Collection method: clinical testing. Allele origin: germline.
Comment: This missense variant replaces isoleucine with methionine at codon 3554 of the RYR2 protein. Computational prediction suggests that this variant may not impact protein structure and function (internally defined REVEL score threshold <= 0.5, PMID: 27666373). To our knowledge, functional studies have not been reported for this variant. This variant has not been reported in individuals affected with cardiovascular disorders in the literature. This variant has not been identified in the general population by the Genome Aggregation Database (gnomAD). The available evidence is insufficient to determine the role of this variant in disease conclusively. Therefore, this variant is classified as a Variant of Uncertain Significance.